The following is an entry in ClinVar:

NM_014319.5(LEMD3):c.1256C>G (p.Ser419Cys)

Gene: LEMD3 (LEM domain containing 3; plus strand). Cytogenetic location: 12q14.3.
Variant type: single nucleotide variant.
Coding change: c.1256C>G on transcript NM_014319.5 (MANE Select); coding-DNA position 1256, C replaced by G.
Protein change: p.Ser419Cys; replaces serine 419 with cysteine.
Molecular consequence: missense variant.
Genome position (GRCh38, 1-based): chr12:65,170,852, C>G. VCF-style: chr12-65170852-C-G. GRCh37 (hg19) VCF-style: chr12-65564632-C-G.
Other names: c.1256C>G, p.Ser419Cys (NM_001167614.2); short protein forms S419C.
Identifiers: ClinVar variation 2770362 (VCV002770362.3), dbSNP rs2498940826, ClinGen allele CA385675467.
Genomic context (GRCh38, chr12:65,170,852, plus strand): 5'-GTGTGGACTCCCCCAGGATTTATTCTAACAGTCTCCCTCCCAGTGCGGCGGTGGCCGCCT[C>G]TAGTTCACTCAGGATCAATCACGCCAATCATACGGGCTCCAATCATACCTACCTGAAAAA-3'
Protein context (NP_055134.2, residues 409-429): SLPPSAAVAA[Ser419Cys]SSLRINHANH

ClinVar aggregate classification (germline): Uncertain significance (1 of 4 stars; one submission).

Allele frequency attached by ClinVar (database versions not stated): gnomAD exomes below 0.00001.
gnomAD v4.1: 1 of 1,614,198 alleles (0.000062%); highest among the groups gnomAD compares: South Asian, 0.0011%; no homozygotes.

Submission:

Labcorp Genetics (formerly Invitae), Labcorp
Classification: Uncertain significance. Last evaluated: 2025-06-02. Review status: criteria provided, single submitter. Criteria: Invitae Variant Classification Sherloc (09022015). Collection method: clinical testing. Allele origin: germline.
Comment: This sequence change replaces serine, which is neutral and polar, with cysteine, which is neutral and slightly polar, at codon 419 of the LEMD3 protein (p.Ser419Cys). This variant is not present in population databases (gnomAD no frequency). This variant has not been reported in the literature in individuals affected with LEMD3-related conditions. ClinVar contains an entry for this variant (Variation ID: 2770362). Invitae Evidence Modeling of protein sequence and biophysical properties (such as structural, functional, and spatial information, amino acid conservation, physicochemical variation, residue mobility, and thermodynamic stability) indicates that this missense variant is expected to disrupt LEMD3 protein function with a positive predictive value of 80%. In summary, the available evidence is currently insufficient to determine the role of this variant in disease. Therefore, it has been classified as a Variant of Uncertain Significance.